The following is an entry in ClinVar:

NM_005921.2(MAP3K1):c.2416G>A (p.Asp806Asn)

Gene: MAP3K1 (mitogen-activated protein kinase kinase kinase 1; plus strand). Cytogenetic location: 5q11.2.
Variant type: single nucleotide variant.
Coding change: c.2416G>A on transcript NM_005921.2 (MANE Select); coding-DNA position 2416, G replaced by A.
Protein change: p.Asp806Asn; replaces aspartic acid 806 with asparagine.
Molecular consequence: missense variant.
Genome position (GRCh38, 1-based): chr5:56,881,616, G>A. VCF-style: chr5-56881616-G-A. GRCh37 (hg19) VCF-style: chr5-56177443-G-A.
Other names: short protein forms D806N.
Identifiers: ClinVar variation 518364 (VCV000518364.15), dbSNP rs702689, ClinGen allele CA3272999.
Genomic context (GRCh38, chr5:56,881,616, plus strand): 5'-TTTTTTTCTTTCAGGTATAAGAAGCTGCTGTCCCTCTTAACCTTTGCTTTGCAGTCCATT[G>A]ATAATTCCCACTCAATGGTTGGCAAACTTTCCAGAAGGATCTACTTGAGTTCTGCAAGAA-3'
Protein context (NP_005912.1, residues 796-816): SLLTFALQSI[Asp806Asn]NSHSMVGKLS

ClinVar aggregate classification (germline): Benign. Review status: criteria provided, multiple submitters, no conflicts (2 of 4 stars). 5 submissions from 5 submitters: Benign (4). 1 of the submissions does not count toward it. Last evaluated 2026-02-03.

Conditions:
46,XY sex reversal 6. Also called: 46,XY GONADAL DYSGENESIS, PARTIAL OR COMPLETE, MAP3K1-RELATED; 46,XY SEX REVERSAL, PARTIAL OR COMPLETE, MAP3K1-RELATED. Identifiers: MedGen C3151064, MONDO:0013410, OMIM 613762.

Allele frequency attached by ClinVar (database versions not stated): 1000 Genomes Project 0.47644; 1000 Genomes Project 30x 0.48314; TOPMed 0.58493; gnomAD exomes 0.59398 and 0.67949; ExAC 0.59835; gnomAD 0.60633 and 0.61396; ESP Exome Variant Server 0.65012.
gnomAD v4.1: 1,083,020 of 1,612,860 alleles (67%); highest among the groups gnomAD compares: Non-Finnish European, 72%; 374,698 homozygotes.

Submissions (5):

Labcorp Genetics (formerly Invitae), Labcorp
Classification: Benign for 46,XY sex reversal 6. Last evaluated: 2026-02-03. Review status: criteria provided, single submitter. Criteria: Invitae Variant Classification Sherloc (09022015). Collection method: clinical testing. Allele origin: germline.

GeneDx
Classification: Benign. Last evaluated: 2018-11-12. Review status: criteria provided, single submitter. Criteria: GeneDx Variant Classification Process June 2021. Collection method: clinical testing. Allele origin: germline. Affected: yes.
Comment: This variant is associated with the following publications: (PMID: 22468730, 24497709)

Clinical Genetics DNA and cytogenetics Diagnostics Lab, Erasmus MC, Erasmus Medical Center
Classification: Benign for 46,XY sex reversal 6. Last evaluated: 2017-11-02. Review status: criteria provided, single submitter. Criteria: ACGS Guidelines, 2013. Collection method: clinical testing. Allele origin: germline. Affected: yes. Study: VKGL Data-share Consensus.

Breakthrough Genomics
Classification: Benign. Review status: criteria provided, single submitter. Criteria: ACMG Guidelines, 2015. Collection method: not provided. Allele origin: germline. Inheritance: Autosomal dominant inheritance. Affected: yes.

Diagnostic Laboratory, Department of Genetics, University Medical Center Groningen
Classification: Benign for 46,XY sex reversal 6. Review status: no assertion criteria provided. Collection method: clinical testing. Allele origin: germline. Affected: yes. Study: VKGL Data-share Consensus. Not counted in ClinVar's aggregate classification.